The following is an entry in ClinVar:

ClinVar aggregate classification (germline): Pathogenic (1 of 4 stars; one submission).

Conditions:
Duchenne muscular dystrophy (DMD). Also called: MUSCULAR DYSTROPHY, PSEUDOHYPERTROPHIC PROGRESSIVE, DUCHENNE TYPE; Duchenne Muscular Dystrophy (DMD). Identifiers: Orphanet 98896, MedGen C0013264, MONDO:0010679, OMIM 310200.

Submission:

Labcorp Genetics (formerly Invitae), Labcorp
Classification: Pathogenic for Duchenne muscular dystrophy. Last evaluated: 2020-12-08. Review status: criteria provided, single submitter. Criteria: Invitae Variant Classification Sherloc (09022015). Collection method: clinical testing. Allele origin: germline.
Comment: For these reasons, this variant has been classified as Pathogenic. This variant has not been reported in the literature in individuals with DMD-related conditions. This variant is not present in population databases (ExAC no frequency). This sequence change creates a premature translational stop signal (p.Asp462Glyfs*2) in the DMD gene. It is expected to result in an absent or disrupted protein product. Loss-of-function variants in DMD are known to be pathogenic (PMID: 16770791, 25007885).

Literature cited by the submitters: PubMed 16770791; PubMed 25007885.

NM_004006.3(DMD):c.1385_1388del (p.Asp462fs)

Gene: DMD (dystrophin; minus strand). Cytogenetic location: Xp21.1.
Variant type: Deletion.
Coding change: c.1385_1388del on transcript NM_004006.3 (MANE Select); coding-DNA positions 1385 to 1388, 4 bases deleted (ACTG; older notation c.1385_1388delACTG).
Protein change: p.Asp462fs; shifts the reading frame from aspartic acid 462.
Molecular consequence: frameshift variant.
Genome position (GRCh38, 1-based): chrX:32,614,397-32,614,400, CAGT deleted on the plus strand (ACTG on the coding strand, the reverse complement: DMD is on the minus strand); deleting any 4 consecutive bases within chrX:32,614,397-32,614,402 gives the same sequence; the c. name uses the placement nearest the transcript's 3' end. VCF-style (leftmost placement, unchanged base first): chrX-32614396-CCAGT-C. GRCh37 (hg19) VCF-style: chrX-32632513-CCAGT-C.
Other names: c.1361_1364del, p.Asp454fs (NM_000109.4); c.1373_1376del, p.Asp458fs (NM_004009.3); c.1016_1019del, p.Asp339fs (NM_004010.3); short protein forms D339fs, D462fs, D454fs, D458fs.
Identifiers: ClinVar variation 1388460 (VCV001388460.6), dbSNP rs2149350164, ClinGen allele CA2573158696.